The following is an entry in ClinVar:

NM_000359.3(TGM1):c.452del (p.Leu151fs)

Gene: TGM1 (transglutaminase 1; minus strand). Cytogenetic location: 14q12.
Variant type: Deletion.
Coding change: c.452del on transcript NM_000359.3 (MANE Select); coding-DNA position 452, one base deleted (T; older notation c.452delT).
Protein change: p.Leu151fs; shifts the reading frame from leucine 151.
Molecular consequence: frameshift variant.
Genome position (GRCh38, 1-based): chr14:24,261,751, A deleted on the plus strand (T on the coding strand, the reverse complement: TGM1 is on the minus strand). VCF-style (leftmost placement, unchanged base first): chr14-24261750-GA-G. GRCh37 (hg19) VCF-style: chr14-24730956-GA-G.
Other names: short protein forms L151fs.
Identifiers: ClinVar variation 5015005 (VCV005015005.1).

ClinVar aggregate classification (germline): Pathogenic (1 of 4 stars; one submission).

Conditions:
Autosomal recessive congenital ichthyosis 1 (LI1). Also called: COLLODION FETUS; DESQUAMATION OF NEWBORN; ICHTHYOSIS CONGENITA; ICHTHYOSIS CONGENITA II; LAMELLAR EXFOLIATION OF NEWBORN; ICHTHYOSIS, CONGENITAL, AUTOSOMAL RECESSIVE 1, WITH BATHING SUIT DISTRIBUTION. Identifiers: MedGen C4551630, MONDO:0009441, OMIM 242300.

Submission:

Myriad Genetics, Inc.
Classification: Pathogenic for Autosomal recessive congenital ichthyosis 1. Last evaluated: 2025-09-21. Review status: criteria provided, single submitter. Criteria: Myriad Autosomal Dominant, Autosomal Recessive and X-Linked Classification Criteria (2023). Collection method: clinical testing. Allele origin: unknown.
Comment: NM_000359.2(TGM1):c.452delT(L151Pfs*31) is expected to be pathogenic in the context of TGM1-related autosomal recessive congenital ichthyosis. This variant is predicted to lead to an abnormal or absent protein product due to the creation of a premature termination codon in TGM1, a gene where loss-of-function variants are known to be pathogenic. Please note: this variant was assessed in the context of healthy population screening.